The following is an entry in ClinVar:

ClinVar aggregate classification (germline): Uncertain significance. Review status: criteria provided, multiple submitters, no conflicts (2 of 4 stars). 4 submissions from 4 submitters: Uncertain significance (4). Last evaluated 2026-01-08.

Conditions:
Torsion dystonia 6 (DYT6). Also called: DYT-THAP1. Identifiers: Orphanet 98806, MedGen C1414216, MONDO:0011264, OMIM 602629.

Allele frequency attached by ClinVar (database versions not stated): gnomAD exomes 0.00003 and 0.00005; TOPMed 0.00003; gnomAD 0.00005 and 0.00006; ExAC 0.00007; ESP Exome Variant Server 0.00008.

Submissions (4):

Labcorp Genetics (formerly Invitae), Labcorp
Classification: Uncertain significance for Torsion dystonia 6. Last evaluated: 2026-01-08. Review status: criteria provided, single submitter. Criteria: Invitae Variant Classification Sherloc (09022015). Collection method: clinical testing. Allele origin: germline.
Comment: This sequence change replaces methionine, which is neutral and non-polar, with valine, which is neutral and non-polar, at codon 143 of the THAP1 protein (p.Met143Val). This variant is present in population databases (rs374512193, gnomAD 0.05%), and has an allele count higher than expected for a pathogenic variant. This missense change has been observed in individual(s) with dystonia (PMID: 20669277, 27913194, 33834364). ClinVar contains an entry for this variant (Variation ID: 225489). An algorithm developed to predict the effect of missense changes on protein structure and function outputs the following: PolyPhen-2: "Benign". The valine amino acid residue is found in multiple mammalian species, which suggests that this missense change does not adversely affect protein function. Studies have shown that this missense change does not significantly alter or has an unclear effect on THAP1 gene expression (PMID: 34672987). In summary, the available evidence is currently insufficient to determine the role of this variant in disease. Therefore, it has been classified as a Variant of Uncertain Significance.

Foundation for Research in Genetics and Endocrinology, FRIGE's Institute of Human Genetics
Classification: Uncertain significance for Torsion dystonia 6. Last evaluated: 2019-12-31. Review status: criteria provided, single submitter. Criteria: ACMG Guidelines, 2015. Collection method: clinical testing. Allele origin: germline. Inheritance: Autosomal dominant inheritance. Affected: yes. Observed: 1 heterozygote.
Comment: A heterozygous missense variation in exon 3 of the THAP1 gene that results in the amino acid substitution of Valine for Methionine at codon 143 was detected. The observed variant c.427A>G (p.Met143Val) has not been reported in the 1000 genomes database and has a minor allele frequency of 0.007% in the ExAC database. The in silico prediction of the variant is damaging by LRT. The reference codon is conserved across species. In summary, the variant meets our criteria to be classified as variant of unknown significance.

Eurofins Ntd Llc (ga)
Classification: Uncertain significance. Last evaluated: 2016-07-21. Review status: criteria provided, single submitter. Criteria: EGL Classification Definitions 2015. Collection method: clinical testing. Allele origin: germline. Observed: 1 variant allele, 1 heterozygote.

Soonchunhyang University Bucheon Hospital, Soonchunhyang University Medical Center
Classification: Uncertain significance for Torsion dystonia 6. Last evaluated: 2016-03-18. Review status: criteria provided, single submitter. Criteria: ACMG Guidelines, 2015. Collection method: reference population. Allele origin: germline. Observed: 1 variant allele.

Literature cited by the submitters: PubMed 20669277 (cited by Labcorp Genetics (formerly Invitae), Labcorp and Soonchunhyang University Bucheon Hospital, Soonchunhyang University Medical Center); PubMed 27913194 (cited by Labcorp Genetics (formerly Invitae), Labcorp); PubMed 33834364 (cited by Labcorp Genetics (formerly Invitae), Labcorp); PubMed 34672987 (cited by Labcorp Genetics (formerly Invitae), Labcorp); PubMed 22903657 (cited by Soonchunhyang University Bucheon Hospital, Soonchunhyang University Medical Center).

NM_018105.3(THAP1):c.427A>G (p.Met143Val)

Gene: THAP1 (THAP domain containing 1; minus strand). Cytogenetic location: 8p11.21.
Variant type: single nucleotide variant.
Coding change: c.427A>G on transcript NM_018105.3 (MANE Select); coding-DNA position 427, A replaced by G.
Protein change: p.Met143Val; replaces methionine 143 with valine.
Molecular consequence: missense variant. On other transcripts: 3 prime UTR variant (1).
Genome position (GRCh38, 1-based): chr8:42,838,177, T>C on the plus strand (A>G on the coding strand, the complement: THAP1 is on the minus strand). VCF-style: chr8-42838177-T-C. GRCh37 (hg19) VCF-style: chr8-42693320-T-C.
Other names: c.*69A>G (NM_199003.2); short protein forms M143V.
Identifiers: ClinVar variation 225489 (VCV000225489.11), dbSNP rs374512193, ClinGen allele CA4734541.